The following is an entry in ClinVar:

NM_001378609.3(OTOGL):c.3255T>C (p.Thr1085=)

Gene: OTOGL (otogelin like; plus strand). Cytogenetic location: 12q21.31.
Variant type: single nucleotide variant.
Coding change: c.3255T>C on transcript NM_001378609.3 (MANE Select); coding-DNA position 3255, T replaced by C.
Protein change: p.Thr1085=; no amino-acid change (threonine 1085 retained).
Molecular consequence: synonymous variant.
Genome position (GRCh38, 1-based): chr12:80,305,617, T>C. VCF-style: chr12-80305617-T-C. GRCh37 (hg19) VCF-style: chr12-80699397-T-C.
Other names: c.3120T>C, p.Thr1040= (NM_001368062.3); c.3255T>C, p.Thr1085= (NM_001378610.3, NM_173591.7).
Identifiers: ClinVar variation 226939 (VCV000226939.38), dbSNP rs138823379, ClinGen allele CA6701001.
Genomic context (GRCh38, chr12:80,305,617, plus strand): 5'-TGATTTTCTCTTACTTTAGAACAAGCTATCAGGATTGTGTGGAAACTTTGACAAATGCAC[T>C]TCAAATGATATGACCACATCTAATAACTTGGAAGTGAGAAATGCTCGGGTATTTGGAGAT-3'
Protein context (NP_001365538.2, residues 1075-1095): SGLCGNFDKC[Thr1085=]SNDMTTSNNL

ClinVar aggregate classification (germline): Conflicting classifications of pathogenicity. Review status: criteria provided, conflicting classifications (1 of 4 stars). 7 submissions from 7 submitters: Uncertain significance (1); Benign (2); Likely benign (3). 1 of the submissions does not count toward it. Last evaluated 2026-01-27.

Conditions:
OTOGL-related disorder. Also called: OTOGL-related condition.

Allele frequency attached by ClinVar (database versions not stated): gnomAD exomes 0.00077 and 0.00115; ExAC 0.00115; ESP Exome Variant Server 0.00177; gnomAD 0.00204 and 0.00210; TOPMed 0.00236; 1000 Genomes Project 0.00260; 1000 Genomes Project 30x 0.00265.
gnomAD v4.1: 1,507 of 1,576,914 alleles (0.096%); highest among the groups gnomAD compares: Middle Eastern, 0.92%; 6 homozygotes.

Submissions (7):

Labcorp Genetics (formerly Invitae), Labcorp
Classification: Benign. Last evaluated: 2026-01-27. Review status: criteria provided, single submitter. Criteria: Invitae Variant Classification Sherloc (09022015). Collection method: clinical testing. Allele origin: germline.

CeGaT Center for Human Genetics Tuebingen
Classification: Likely benign. Last evaluated: 2025-10-01. Review status: criteria provided, single submitter. Criteria: CeGaT Center For Human Genetics Tuebingen Variant Classification Criteria Version 2. Collection method: clinical testing. Allele origin: germline. Affected: yes. Observed: 2 variant alleles.
Comment: OTOGL: BP4, BP5, BS2

Blueprint Genetics
Classification: Likely benign. Last evaluated: 2024-11-27. Review status: criteria provided, single submitter. Criteria: ACMG Guidelines, 2015. Collection method: clinical testing. Allele origin: germline.

GeneDx
Classification: Likely benign. Last evaluated: 2021-01-18. Review status: criteria provided, single submitter. Criteria: GeneDx Variant Classification Process June 2021. Collection method: clinical testing. Allele origin: germline. Affected: yes.

Eurofins Ntd Llc (ga)
Classification: Uncertain significance. Last evaluated: 2018-02-01. Review status: criteria provided, single submitter. Criteria: EGL Classification Definitions 2015. Collection method: clinical testing. Allele origin: germline. Observed: 1 variant allele, 1 heterozygote.

Laboratory for Molecular Medicine, Mass General Brigham Personalized Medicine
Classification: Benign. Last evaluated: 2014-11-24. Review status: criteria provided, single submitter. Criteria: LMM Criteria. Collection method: clinical testing. Allele origin: germline. Observed: 6 variant alleles.
Comment: Thr1076Thr in exon 28 of OTOGL: This variant is not expected to have clinical si gnificance because it does not alter an amino acid residue and is not located wi thin the splice consensus sequence. It has been identified in 4.6% (9/194) of Lu hya (Kenyan) chromosomes from a broad population by the 1000 Genomes Project (dbSNP rs138823379).

PreventionGenetics, part of Exact Sciences
Classification: Likely benign for OTOGL-related condition. Last evaluated: 2020-03-18. Review status: no assertion criteria provided. Collection method: clinical testing. Allele origin: germline. Not counted in ClinVar's aggregate classification.
Comment: This variant is classified as likely benign based on ACMG/AMP sequence variant interpretation guidelines (Richards et al. 2015 PMID: 25741868, with internal and published modifications).